The following is an entry in ClinVar:

ClinVar aggregate classification (germline): Uncertain significance (1 of 4 stars; one submission).

Conditions:
Charcot-Marie-Tooth disease type 4. Also called: Charcot-Marie-Tooth disease, type IV; Charcot-Marie-Tooth, Type 4. Identifiers: Orphanet 64749, MedGen C4082197, MONDO:0018995.

Allele frequency attached by ClinVar (database versions not stated): gnomAD below 0.00001 and 0.00002; ExAC 0.00001; gnomAD exomes 0.00002.
gnomAD v4.1: 15 of 1,614,028 alleles (0.00093%); highest among the groups gnomAD compares: South Asian, 0.014%; no homozygotes.

Submission:

Labcorp Genetics (formerly Invitae), Labcorp
Classification: Uncertain significance for Charcot-Marie-Tooth disease type 4. Last evaluated: 2022-03-25. Review status: criteria provided, single submitter. Criteria: Invitae Variant Classification Sherloc (09022015). Collection method: clinical testing. Allele origin: germline.
Comment: This sequence change replaces isoleucine, which is neutral and non-polar, with methionine, which is neutral and non-polar, at codon 94 of the MTMR2 protein (p.Ile94Met). This variant is present in population databases (rs769020850, gnomAD 0.01%). This variant has not been reported in the literature in individuals affected with MTMR2-related conditions. ClinVar contains an entry for this variant (Variation ID: 851196). Algorithms developed to predict the effect of missense changes on protein structure and function (SIFT, PolyPhen-2, Align-GVGD) all suggest that this variant is likely to be tolerated. In summary, the available evidence is currently insufficient to determine the role of this variant in disease. Therefore, it has been classified as a Variant of Uncertain Significance.

NM_016156.6(MTMR2):c.282A>G (p.Ile94Met)

Gene: MTMR2 (myotubularin related protein 2; minus strand). Cytogenetic location: 11q21.
Variant type: single nucleotide variant.
Coding change: c.282A>G on transcript NM_016156.6 (MANE Select); coding-DNA position 282, A replaced by G.
Protein change: p.Ile94Met; replaces isoleucine 94 with methionine.
Molecular consequence: missense variant.
Genome position (GRCh38, 1-based): chr11:95,862,347, T>C on the plus strand (A>G on the coding strand, the complement: MTMR2 is on the minus strand). VCF-style: chr11-95862347-T-C. GRCh37 (hg19) VCF-style: chr11-95595511-T-C.
Other names: c.66A>G, p.Ile22Met (NM_001243571.2, NM_201278.3, NM_201281.3); short protein forms I94M, I22M.
Identifiers: ClinVar variation 851196 (VCV000851196.4), dbSNP rs769020850, ClinGen allele CA6240378.